The following is an entry in ClinVar:

ClinVar aggregate classification (germline): Uncertain significance (1 of 4 stars; one submission).

Conditions:
Inborn genetic diseases. Identifiers: MedGen C0950123, MeSH D030342.

Submission:

Ambry Genetics
Classification: Uncertain significance for Inborn genetic diseases. Last evaluated: 2022-04-25. Review status: criteria provided, single submitter. Criteria: Ambry Variant Classification Scheme 2023. Collection method: clinical testing. Allele origin: germline.
Comment: The p.N54D variant (also known as c.160A>G), located in coding exon 2 of the AKT1 gene, results from an A to G substitution at nucleotide position 160. The asparagine at codon 54 is replaced by aspartic acid, an amino acid with highly similar properties. This amino acid position is conserved. In addition, this alteration is predicted to be tolerated by in silico analysis. Since supporting evidence is limited at this time, the clinical significance of this alteration remains unclear.

NM_001382430.1(AKT1):c.160A>G (p.Asn54Asp)

Gene: AKT1 (AKT serine/threonine kinase 1; minus strand). Cytogenetic location: 14q32.33.
Variant type: single nucleotide variant.
Coding change: c.160A>G on transcript NM_001382430.1 (MANE Select); coding-DNA position 160, A replaced by G.
Protein change: p.Asn54Asp; replaces asparagine 54 with aspartic acid.
Molecular consequence: missense variant.
Genome position (GRCh38, 1-based): chr14:104,780,103, T>C on the plus strand (A>G on the coding strand, the complement: AKT1 is on the minus strand). VCF-style: chr14-104780103-T-C. GRCh37 (hg19) VCF-style: chr14-105246440-T-C.
Other names: c.160A>G, p.Asn54Asp (NM_001014431.2, NM_001014432.2, NM_001382431.1 and 3 more transcripts); short protein forms N54D.
Identifiers: ClinVar variation 1776357 (VCV001776357.2), dbSNP rs2542178897, ClinGen allele CA391221436.